The following is an entry in ClinVar:

ClinVar aggregate classification (germline): Uncertain significance (1 of 4 stars; one submission).

Conditions:
Dilated cardiomyopathy 1G (CMD1G). Identifiers: Orphanet 154, MedGen C1858763, MONDO:0011400, OMIM 604145.
Autosomal recessive limb-girdle muscular dystrophy type 2J (LGMDR10). Also called: Limb-girdle muscular dystrophy, type 2J; MUSCULAR DYSTROPHY, LIMB-GIRDLE, AUTOSOMAL RECESSIVE 10. Identifiers: Orphanet 140922, MedGen C1837342, MONDO:0012127, OMIM 608807.

Allele frequency attached by ClinVar (database versions not stated): gnomAD exomes below 0.00001; ExAC 0.00001.
gnomAD v4.1: 1 of 1,613,788 alleles (0.000062%); highest among the groups gnomAD compares: Non-Finnish European, 0.000085%; no homozygotes.

Submission:

Labcorp Genetics (formerly Invitae), Labcorp
Classification: Uncertain significance for Dilated cardiomyopathy 1G; Autosomal recessive limb-girdle muscular dystrophy type 2J. Last evaluated: 2023-10-07. Review status: criteria provided, single submitter. Criteria: Invitae Variant Classification Sherloc (09022015). Collection method: clinical testing. Allele origin: germline.
Comment: This sequence change replaces tryptophan, which is neutral and slightly polar, with cysteine, which is neutral and slightly polar, at codon 31755 of the TTN protein (p.Trp31755Cys). This variant is present in population databases (rs755654150, gnomAD 0.0009%). This variant has not been reported in the literature in individuals affected with TTN-related conditions. Experimental studies and prediction algorithms are not available or were not evaluated, and the functional significance of this variant is currently unknown. This variant is located in the A band of TTN (PMID: 25589632). Variants in this region may be relevant for cardiac or neuromuscular disorders (PMID: 25589632, 23975875). In summary, the available evidence is currently insufficient to determine the role of this variant in disease. Therefore, it has been classified as a Variant of Uncertain Significance.

Literature cited by the submitters: PubMed 25589632; PubMed 23975875.

NM_001267550.2(TTN):c.95265G>T (p.Trp31755Cys)

Genes: TTN (titin; minus strand), TTN-AS1 (TTN antisense RNA 1; plus strand). Cytogenetic location: 2q31.2.
Variant type: single nucleotide variant.
Coding change: c.95265G>T on transcript NM_001267550.2 (MANE Select); coding-DNA position 95265, G replaced by T.
Protein change: p.Trp31755Cys; replaces tryptophan 31755 with cysteine.
Molecular consequence: missense variant.
Genome position (GRCh38, 1-based): chr2:178,545,971, C>A on the plus strand (G>T on the coding strand, the complement: TTN is on the minus strand). VCF-style: chr2-178545971-C-A. GRCh37 (hg19) VCF-style: chr2-179410698-C-A.
Other names: c.90342G>T, p.Trp30114Cys (NM_001256850.1); c.68070G>T, p.Trp22690Cys (NM_003319.4); c.87561G>T, p.Trp29187Cys (NM_133378.4); c.68445G>T, p.Trp22815Cys (NM_133432.3); c.68646G>T, p.Trp22882Cys (NM_133437.4); short protein forms W22882C, W22815C, W29187C, W30114C, W31755C, W22690C.
Identifiers: ClinVar variation 2940596 (VCV002940596.3), dbSNP rs755654150, ClinGen allele CA1986979.